The following is an entry in ClinVar:

ClinVar aggregate classification (germline): Conflicting classifications of pathogenicity. Review status: criteria provided, conflicting classifications (1 of 4 stars). 7 submissions from 7 submitters: Uncertain significance (1); Benign (1); Likely benign (5). Last evaluated 2025-08-03.

Conditions:
Juvenile polyposis syndrome (JPS). Identifiers: Orphanet 2929, MedGen C0345893, MONDO:0017380, OMIM 174900.
Hereditary cancer-predisposing syndrome. Also called: Hereditary Cancer Syndrome; Hereditary neoplastic syndrome; Tumor predisposition; Neoplastic Syndromes, Hereditary. Identifiers: Orphanet 140162, MedGen C0027672, MeSH D009386, MONDO:0015356.

gnomAD v4.1: 2 of 1,613,960 alleles (0.00012%); highest among the groups gnomAD compares: East Asian, 0.0045%; no homozygotes.

Submissions (7):

Labcorp Genetics (formerly Invitae), Labcorp
Classification: Likely benign for Juvenile polyposis syndrome. Last evaluated: 2025-08-03. Review status: criteria provided, single submitter. Criteria: Invitae Variant Classification Sherloc (09022015). Collection method: clinical testing. Allele origin: germline.

Myriad Genetics, Inc.
Classification: Benign for Juvenile polyposis syndrome. Last evaluated: 2024-08-05. Review status: criteria provided, single submitter. Criteria: Myriad Autosomal Dominant, Autosomal Recessive and X-Linked Classification Criteria (2023). Collection method: clinical testing. Allele origin: unknown.
Comment: This variant is considered benign. This variant is a silent/synonymous amino acid change and it is not expected to impact splicing.

All of Us Research Program, National Institutes of Health
Classification: Likely benign for Juvenile polyposis syndrome. Last evaluated: 2023-07-10. Review status: criteria provided, single submitter. Criteria: ACMG Guidelines, 2015. Collection method: clinical testing. Allele origin: germline. Inheritance: Autosomal dominant inheritance. Observed: 1 variant allele, 1 heterozygote.
Comment: This study involves interpretation of variants in research participants for the purpose of population health screening. Participant phenotype was not available at the time of variant classification. Additional details can be found in publication PMID: 35346344, PMCID: PMC8962531

Color Diagnostics, LLC DBA Color Health
Classification: Likely benign for Hereditary cancer-predisposing syndrome. Last evaluated: 2021-11-12. Review status: criteria provided, single submitter. Criteria: ACMG Guidelines, 2015. Collection method: clinical testing. Allele origin: germline.

GeneDx
Classification: Likely benign. Last evaluated: 2018-06-19. Review status: criteria provided, single submitter. Criteria: GeneDx Variant Classification (06012015). Collection method: clinical testing. Allele origin: germline. Affected: yes.
Comment: This variant is considered likely benign or benign based on one or more of the following criteria: it is a conservative change, it occurs at a poorly conserved position in the protein, it is predicted to be benign by multiple in silico algorithms, and/or has population frequency not consistent with disease.

Ambry Genetics
Classification: Likely benign for Hereditary cancer-predisposing syndrome. Last evaluated: 2017-11-03. Review status: criteria provided, single submitter. Criteria: Ambry Variant Classification Scheme 2023. Collection method: clinical testing. Allele origin: germline.

Quest Diagnostics Nichols Institute San Juan Capistrano
Classification: Uncertain significance. Last evaluated: 2017-04-18. Review status: criteria provided, single submitter. Criteria: Quest Diagnostics criteria. Collection method: clinical testing. Allele origin: germline.

NM_004329.3(BMPR1A):c.729C>T (p.Gly243=)

Gene: BMPR1A (bone morphogenetic protein receptor type 1A; plus strand). Cytogenetic location: 10q23.2.
Variant type: single nucleotide variant.
Coding change: c.729C>T on transcript NM_004329.3 (MANE Select); coding-DNA position 729, C replaced by T.
Protein change: p.Gly243=; no amino-acid change (glycine 243 retained).
Molecular consequence: synonymous variant.
Genome position (GRCh38, 1-based): chr10:86,917,187, C>T. VCF-style: chr10-86917187-C-T. GRCh37 (hg19) VCF-style: chr10-88676944-C-T.
Identifiers: ClinVar variation 438905 (VCV000438905.20), dbSNP rs770821763, ClinGen allele CA5585594.